The following is an entry in ClinVar:

ClinVar aggregate classification (germline): Uncertain significance (1 of 4 stars; one submission).

Submission:

Labcorp Genetics (formerly Invitae), Labcorp
Classification: Uncertain significance. Last evaluated: 2025-11-10. Review status: criteria provided, single submitter. Criteria: Invitae Variant Classification Sherloc (09022015). Collection method: clinical testing. Allele origin: germline.
Comment: This sequence change replaces histidine, which is basic and polar, with leucine, which is neutral and non-polar, at codon 34 of the CDH23 protein (p.His34Leu). This variant is not present in population databases (gnomAD no frequency). This variant has not been reported in the literature in individuals affected with CDH23-related conditions. Invitae Evidence Modeling of protein sequence and biophysical properties (such as structural, functional, and spatial information, amino acid conservation, physicochemical variation, residue mobility, and thermodynamic stability) has been performed for this missense variant. However, the output from this modeling did not meet the statistical confidence thresholds required to predict the impact of this variant on CDH23 protein function. In summary, the available evidence is currently insufficient to determine the role of this variant in disease. Therefore, it has been classified as a Variant of Uncertain Significance.

NM_022124.6(CDH23):c.101A>T (p.His34Leu)

Gene: CDH23 (cadherin related 23; plus strand). Cytogenetic location: 10q22.1.
Variant type: single nucleotide variant.
Coding change: c.101A>T on transcript NM_022124.6 (MANE Select); coding-DNA position 101, A replaced by T.
Protein change: p.His34Leu; replaces histidine 34 with leucine.
Molecular consequence: missense variant.
Genome position (GRCh38, 1-based): chr10:71,446,351, A>T. VCF-style: chr10-71446351-A-T. GRCh37 (hg19) VCF-style: chr10-73206108-A-T.
Other names: c.101A>T, p.His34Leu (NM_001171930.2, NM_001171931.2, NM_001171932.2 and 1 more transcripts); short protein forms H34L.
Identifiers: ClinVar variation 4754906 (VCV004754906.1).